The following is an entry in ClinVar:

NM_170707.4(LMNA):c.1630G>A (p.Val544Met)

Gene: LMNA (lamin A/C; plus strand). Cytogenetic location: 1q22.
Variant type: single nucleotide variant.
Coding change: c.1630G>A on transcript NM_170707.4 (MANE Select); coding-DNA position 1630, G replaced by A.
Protein change: p.Val544Met; replaces valine 544 with methionine.
Molecular consequence: missense variant. On other transcripts: intron variant (1).
Genome position (GRCh38, 1-based): chr1:156,137,675, G>A. VCF-style: chr1-156137675-G-A. GRCh37 (hg19) VCF-style: chr1-156107466-G-A.
Other names: c.1294G>A, p.Val432Met (NM_001257374.3, NM_001406989.1, NM_001406998.1); c.1387G>A, p.Val463Met (NM_001282624.2, NM_001406986.1, NM_001406987.1); c.1630G>A, p.Val544Met (NM_001282625.2, NM_001282626.2, NM_001406983.1 and 5 more transcripts); c.1333G>A, p.Val445Met (NM_001406988.1); c.1072G>A, p.Val358Met (NM_001406990.1, NM_001406993.1, NM_001406995.1 and 4 more transcripts); c.1006G>A, p.Val336Met (NM_001406994.1, NM_001406999.1, NM_001407000.1 and 1 more transcripts); c.1608+443G>A (NM_170708.4); short protein forms V336M, V432M, V544M, V358M, V463M, V445M.
Identifiers: ClinVar variation 1945502 (VCV001945502.5), dbSNP rs1334619174, ClinGen allele CA342825414.

ClinVar aggregate classification (germline): Uncertain significance (1 of 4 stars; one submission).

Conditions:
Charcot-Marie-Tooth disease type 2. Also called: Charcot-Marie-Tooth type 2. Identifiers: Orphanet 64746, MedGen C0270914, MONDO:0018993.

gnomAD v4.1: 2 of 1,554,948 alleles (0.00013%); highest among the groups gnomAD compares: Non-Finnish European, 0.00017%; no homozygotes.

Submission:

Labcorp Genetics (formerly Invitae), Labcorp
Classification: Uncertain significance for Charcot-Marie-Tooth disease type 2. Last evaluated: 2025-07-06. Review status: criteria provided, single submitter. Criteria: Invitae Variant Classification Sherloc (09022015). Collection method: clinical testing. Allele origin: germline.
Comment: This sequence change replaces valine, which is neutral and non-polar, with methionine, which is neutral and non-polar, at codon 544 of the LMNA protein (p.Val544Met). The frequency data for this variant in the population databases is considered unreliable, as metrics indicate poor data quality at this position in the gnomAD database. This variant has not been reported in the literature in individuals affected with LMNA-related conditions. ClinVar contains an entry for this variant (Variation ID: 1945502). Invitae Evidence Modeling of protein sequence and biophysical properties (such as structural, functional, and spatial information, amino acid conservation, physicochemical variation, residue mobility, and thermodynamic stability) indicates that this missense variant is expected to disrupt LMNA protein function with a positive predictive value of 95%. In summary, the available evidence is currently insufficient to determine the role of this variant in disease. Therefore, it has been classified as a Variant of Uncertain Significance.